The following is an entry in ClinVar:

ClinVar aggregate classification (germline): Uncertain significance. Review status: criteria provided, multiple submitters, no conflicts (2 of 4 stars). 2 submissions from 2 submitters: Uncertain significance (2). Last evaluated 2026-09-13.

Conditions:
PKD1-related disorder. Also called: PKD1-related condition.
Polycystic kidney disease, adult type (PKD1). Also called: Polycystic Kidney Disease 1, Autosomal Dominant; Polycystic kidney disease 1; Polycystic kidney disease 1, severe; POLYCYSTIC KIDNEY DISEASE, ADULT, TYPE I; Polycystic Kidney, Autosomal Dominant; POLYCYSTIC KIDNEY DISEASE 1 WITH OR WITHOUT POLYCYSTIC LIVER DISEASE. Identifiers: MedGen C3149841, MONDO:0008263, OMIM 173900.

gnomAD v4.1: 6 of 1,608,674 alleles (0.00037%); highest among the groups gnomAD compares: East Asian, 0.0045%; no homozygotes.

Submissions (2):

PreventionGenetics, part of Exact Sciences
Classification: Uncertain significance for PKD1-related condition. Last evaluated: 2026-09-13. Review status: criteria provided, single submitter. Criteria: ACMG Guidelines, 2015. Collection method: clinical testing. Allele origin: germline.
Comment: The PKD1 c.6638G>A variant is predicted to result in the amino acid substitution p.Arg2213Gln. To our knowledge, this variant has not been reported in the literature. This variant is reported in 0.00095% of alleles in individuals of European (Non-Finnish) descent in gnomAD. At this time, the clinical significance of this variant is uncertain due to the absence of conclusive functional and genetic evidence.

MVZ Medizinische Genetik Mainz
Classification: Uncertain significance for Polycystic kidney disease, adult type. Last evaluated: 2026-05-07. Review status: criteria provided, single submitter. Criteria: UK Practice Guidelines For Variant Classification V4 01 2020. Collection method: clinical testing. Allele origin: germline. Inheritance: Unknown mechanism. Affected: yes. Observed: 1 variant allele.
Comment: ACMG Criteria: PM2_SUP,PP4

NM_001009944.3(PKD1):c.6638G>A (p.Arg2213Gln)

Gene: PKD1 (polycystin 1, transient receptor potential channel interacting; minus strand). Cytogenetic location: 16p13.3.
Variant type: single nucleotide variant.
Coding change: c.6638G>A on transcript NM_001009944.3 (MANE Select); coding-DNA position 6638, G replaced by A.
Protein change: p.Arg2213Gln; replaces arginine 2213 with glutamine.
Molecular consequence: missense variant.
Genome position (GRCh38, 1-based): chr16:2,108,529, C>T on the plus strand (G>A on the coding strand, the complement: PKD1 is on the minus strand). VCF-style: chr16-2108529-C-T. GRCh37 (hg19) VCF-style: chr16-2158530-C-T.
Other names: c.6638G>A, p.Arg2213Gln (NM_000296.4); short protein forms R2213Q.
Identifiers: ClinVar variation 4852357 (VCV004852357.2).